The following is an entry in ClinVar:

NM_032236.8(USP48):c.2072G>T (p.Cys691Phe)

Gene: USP48 (ubiquitin specific peptidase 48; minus strand). Cytogenetic location: 1p36.12.
Variant type: single nucleotide variant.
Coding change: c.2072G>T on transcript NM_032236.8 (MANE Select); coding-DNA position 2072, G replaced by T.
Protein change: p.Cys691Phe; replaces cysteine 691 with phenylalanine.
Molecular consequence: missense variant.
Genome position (GRCh38, 1-based): chr1:21,706,760, C>A on the plus strand (G>T on the coding strand, the complement: USP48 is on the minus strand). VCF-style: chr1-21706760-C-A. GRCh37 (hg19) VCF-style: chr1-22033253-C-A.
Other names: c.2072G>T, p.Cys691Phe (NM_001330394.3); c.1871G>T, p.Cys624Phe (NM_001350164.2); c.2066G>T, p.Cys689Phe (NM_001350166.2); c.2069G>T, p.Cys690Phe (NM_001350167.2, NM_001350168.2); short protein forms C689F, C624F, C691F, C690F.
Identifiers: ClinVar variation 4984246 (VCV004984246.1).

ClinVar aggregate classification (germline): Uncertain significance (1 of 4 stars; one submission).

Conditions:
USP48-related condition.

gnomAD v4.1: 23 of 1,612,636 alleles (0.0014%); highest among the groups gnomAD compares: Non-Finnish European, 0.0018%; no homozygotes.

Submission:

PreventionGenetics, part of Exact Sciences
Classification: Uncertain significance for USP48-related condition. Last evaluated: 2025-06-02. Review status: criteria provided, single submitter. Criteria: ACMG Guidelines, 2015. Collection method: clinical testing. Allele origin: germline.
Comment: The USP48 c.2072G>T variant is predicted to result in the amino acid substitution p.Cys691Phe. To our knowledge, this variant has not been reported in the literature. This variant is reported in 0.0031% of alleles in individuals of European (Non-Finnish) descent in gnomAD. At this time, the clinical significance of this variant is uncertain due to the absence of conclusive functional and genetic evidence.